The following is an entry in ClinVar:

NM_001378183.1(PIEZO2):c.3013C>T (p.Arg1005Cys)

Gene: PIEZO2 (piezo type mechanosensitive ion channel component 2; minus strand). Cytogenetic location: 18p11.22.
Variant type: single nucleotide variant.
Coding change: c.3013C>T on transcript NM_001378183.1 (MANE Select); coding-DNA position 3013, C replaced by T.
Protein change: p.Arg1005Cys; replaces arginine 1005 with cysteine.
Molecular consequence: missense variant.
Genome position (GRCh38, 1-based): chr18:10,763,032, G>A on the plus strand (C>T on the coding strand, the complement: PIEZO2 is on the minus strand). VCF-style: chr18-10763032-G-A. GRCh37 (hg19) VCF-style: chr18-10763030-G-A.
Other names: c.3013C>T, p.Arg1005Cys (NM_001410871.1); c.2938C>T, p.Arg980Cys (NM_022068.4); short protein forms R980C, R1005C.
Identifiers: ClinVar variation 4982574 (VCV004982574.1).

ClinVar aggregate classification (germline): Uncertain significance (1 of 4 stars; one submission).

Conditions:
PIEZO2-related disorder. Also called: PIEZO2-related disorders; PIEZO2-related condition.

gnomAD v4.1: 214 of 1,537,318 alleles (0.014%); highest among the groups gnomAD compares: Non-Finnish European, 0.017%; no homozygotes.

Submission:

PreventionGenetics, part of Exact Sciences
Classification: Uncertain significance for PIEZO2-related condition. Last evaluated: 2025-05-07. Review status: criteria provided, single submitter. Criteria: ACMG Guidelines, 2015. Collection method: clinical testing. Allele origin: germline.
Comment: The PIEZO2 c.2938C>T variant is predicted to result in the amino acid substitution p.Arg980Cys. To our knowledge, this variant has not been reported in the literature. This variant is reported in 0.017% of alleles in individuals of European (Non-Finnish) descent in gnomAD. At this time, the clinical significance of this variant is uncertain due to the absence of conclusive functional and genetic evidence.